The following is an entry in ClinVar:

ClinVar aggregate classification (germline): Uncertain significance. Review status: criteria provided, multiple submitters, no conflicts (2 of 4 stars). 3 submissions from 3 submitters: Uncertain significance (3). Last evaluated 2025-11-12.

Conditions:
Nephronophthisis. Also called: Juvenile Nephronophthisis. Identifiers: Orphanet 655, MedGen C0687120, MONDO:0019005, HP:0000090.
Nephronophthisis 7 (NPHP7). Identifiers: Orphanet 655, MedGen C1969092, MONDO:0012680, OMIM 611498.

Allele frequency attached by ClinVar (database versions not stated): gnomAD 0.00002 and 0.00003; ESP Exome Variant Server 0.00008.
gnomAD v4.1: 88 of 1,612,884 alleles (0.0055%); highest among the groups gnomAD compares: Non-Finnish European, 0.0069%; no homozygotes.

Submissions (3):

Ambry Genetics
Classification: Uncertain significance. Last evaluated: 2025-11-12. Review status: criteria provided, single submitter. Criteria: Ambry Variant Classification Scheme 2023. Collection method: clinical testing. Allele origin: germline.

Fulgent Genetics
Classification: Uncertain significance for Nephronophthisis 7. Last evaluated: 2024-04-20. Review status: criteria provided, single submitter. Criteria: ACMG Guidelines, 2015. Collection method: clinical testing. Allele origin: germline.

Labcorp Genetics (formerly Invitae), Labcorp
Classification: Uncertain significance for Nephronophthisis. Last evaluated: 2021-09-01. Review status: criteria provided, single submitter. Criteria: Invitae Variant Classification Sherloc (09022015). Collection method: clinical testing. Allele origin: germline.
Comment: This sequence change replaces arginine with cysteine at codon 34 of the GLIS2 protein (p.Arg34Cys). The arginine residue is moderately conserved and there is a large physicochemical difference between arginine and cysteine. This variant is present in population databases (rs369113794, ExAC 0.01%). This variant has not been reported in the literature in individuals affected with GLIS2-related conditions. Algorithms developed to predict the effect of missense changes on protein structure and function are either unavailable or do not agree on the potential impact of this missense change (SIFT: "Deleterious"; PolyPhen-2: "Possibly Damaging"; Align-GVGD: "Class C0"). In summary, the available evidence is currently insufficient to determine the role of this variant in disease. Therefore, it has been classified as a Variant of Uncertain Significance.

NM_032575.3(GLIS2):c.100C>T (p.Arg34Cys)

Gene: GLIS2 (GLIS family zinc finger 2; plus strand). Cytogenetic location: 16p13.3.
Variant type: single nucleotide variant.
Coding change: c.100C>T on transcript NM_032575.3 (MANE Select); coding-DNA position 100, C replaced by T.
Protein change: p.Arg34Cys; replaces arginine 34 with cysteine.
Molecular consequence: missense variant.
Genome position (GRCh38, 1-based): chr16:4,332,380, C>T. VCF-style: chr16-4332380-C-T. GRCh37 (hg19) VCF-style: chr16-4382381-C-T.
Other names: c.100C>T (NM_032575.2); c.100C>T, p.Arg34Cys (NM_001318918.2); short protein forms R34C.
Identifiers: ClinVar variation 1416713 (VCV001416713.7), dbSNP rs369113794, ClinGen allele CA7872894.